The following is an entry in ClinVar:

NM_170784.3(MKKS):c.1392T>A (p.Asp464Glu)

Gene: MKKS (MKKS centrosomal shuttling protein; minus strand). Cytogenetic location: 20p12.2.
Variant type: single nucleotide variant.
Coding change: c.1392T>A on transcript NM_170784.3 (MANE Select); coding-DNA position 1392, T replaced by A.
Protein change: p.Asp464Glu; replaces aspartic acid 464 with glutamic acid.
Molecular consequence: missense variant. On other transcripts: non-coding transcript variant (1).
Genome position (GRCh38, 1-based): chr20:10,405,568, A>T on the plus strand (T>A on the coding strand, the complement: MKKS is on the minus strand). VCF-style: chr20-10405568-A-T. GRCh37 (hg19) VCF-style: chr20-10386216-A-T.
Other names: c.1392T>A, p.Asp464Glu (NM_018848.3); short protein forms D464E.
Identifiers: ClinVar variation 4995735 (VCV004995735.1).

ClinVar aggregate classification (germline): Uncertain significance (1 of 4 stars; one submission).

Conditions:
MKKS-related disorder. Also called: MKKS-related condition; MKKS-related disorders.

Submission:

PreventionGenetics, part of Exact Sciences
Classification: Uncertain significance for MKKS-related condition. Last evaluated: 2025-11-06. Review status: criteria provided, single submitter. Criteria: ACMG Guidelines, 2015. Collection method: clinical testing. Allele origin: germline.
Comment: The MKKS c.1392T>A variant is predicted to result in the amino acid substitution p.Asp464Glu. To our knowledge, this variant has not been reported in the literature or in a large population database (gnomAD), indicating this variant is rare. At this time, the clinical significance of this variant is uncertain due to the absence of conclusive functional and genetic evidence.